The following is an entry in ClinVar:

ClinVar aggregate classification (germline): Uncertain significance (1 of 4 stars; one submission).

Submission:

Labcorp Genetics (formerly Invitae), Labcorp
Classification: Uncertain significance. Last evaluated: 2022-11-23. Review status: criteria provided, single submitter. Criteria: Invitae Variant Classification Sherloc (09022015). Collection method: clinical testing. Allele origin: germline.
Comment: This sequence change replaces arginine, which is basic and polar, with glutamine, which is neutral and polar, at codon 271 of the STAG2 protein (p.Arg271Gln). This variant is not present in population databases (gnomAD no frequency). This variant has not been reported in the literature in individuals affected with STAG2-related conditions. Advanced modeling of protein sequence and biophysical properties (such as structural, functional, and spatial information, amino acid conservation, physicochemical variation, residue mobility, and thermodynamic stability) performed at Invitae indicates that this missense variant is not expected to disrupt STAG2 protein function. In summary, the available evidence is currently insufficient to determine the role of this variant in disease. Therefore, it has been classified as a Variant of Uncertain Significance.

NM_001042750.2(STAG2):c.812G>A (p.Arg271Gln)

Gene: STAG2 (STAG2 cohesin complex component; plus strand). Cytogenetic location: Xq25.
Variant type: single nucleotide variant.
Coding change: c.812G>A on transcript NM_001042750.2 (MANE Select); coding-DNA position 812, G replaced by A.
Protein change: p.Arg271Gln; replaces arginine 271 with glutamine.
Molecular consequence: missense variant.
Genome position (GRCh38, 1-based): chrX:124,047,498, G>A. VCF-style: chrX-124047498-G-A. GRCh37 (hg19) VCF-style: chrX-123181348-G-A.
Other names: c.812G>A, p.Arg271Gln (NM_001042749.2, NM_001042751.2, NM_001282418.2 and 13 more transcripts); short protein forms R271Q.
Identifiers: ClinVar variation 2814603 (VCV002814603.3), dbSNP rs2148196370, ClinGen allele CA414275602.